The following is an entry in ClinVar:

NM_014218.3(KIR2DL1):c.950G>A (p.Arg317His)

Gene: KIR2DL1 (killer cell immunoglobulin like receptor, two Ig domains and long cytoplasmic tail 1). Cytogenetic location: 19q13.42.
Variant type: single nucleotide variant.
Coding change: c.950G>A on transcript NM_014218.3 (MANE Select); coding-DNA position 950, G replaced by A.
Protein change: p.Arg317His; replaces arginine 317 with histidine.
Molecular consequence: missense variant.
Genome position (GRCh38, 1-based): chr19:54,783,716, G>A. VCF-style: chr19-54783716-G-A. GRCh37 (hg19) VCF-style: chr19-55359436-G-A.
Other names: short protein forms R317H.
Identifiers: ClinVar variation 3039076 (VCV003039076.1), dbSNP rs201527316, ClinGen allele CA309893610.

ClinVar aggregate classification (germline): Likely benign (1 of 4 stars; one submission).

Conditions:
KIR2DL1-related disorder. Also called: KIR2DL1-related condition.

Allele frequency attached by ClinVar (database versions not stated): ESP Exome Variant Server 0.00237; 1000 Genomes Project 0.00240; 1000 Genomes Project 30x 0.00562.
gnomAD v4.1: 1,624 of 1,613,388 alleles (0.1%); highest among the groups gnomAD compares: African/African-American, 1.7%; 14 homozygotes.

Submission:

PreventionGenetics, part of Exact Sciences
Classification: Likely benign for KIR2DL1-related condition. Last evaluated: 2022-02-10. Review status: criteria provided, single submitter. Criteria: ACMG Guidelines, 2015. Collection method: clinical testing. Allele origin: germline.
Comment: This variant is classified as likely benign based on ACMG/AMP sequence variant interpretation guidelines (Richards et al. 2015 PMID: 25741868, with internal and published modifications).